The following is an entry in ClinVar:

NM_017636.4(TRPM4):c.2210+1G>A

Gene: TRPM4 (transient receptor potential cation channel subfamily M member 4; plus strand). Cytogenetic location: 19q13.33.
Variant type: single nucleotide variant.
Coding change: c.2210+1G>A on transcript NM_017636.4 (MANE Select); the canonical splice donor site of the intron after coding-DNA position 2210, G replaced by A.
Molecular consequence: splice donor variant.
Genome position (GRCh38, 1-based): chr19:49,190,774, G>A. VCF-style: chr19-49190774-G-A. GRCh37 (hg19) VCF-style: chr19-49694031-G-A.
Other names: c.2210+1G>A (NM_001195227.2); c.602+1G>A (NM_001321282.2); c.1865+1G>A (NM_001321281.2); c.1688+1G>A (NM_001321283.2); c.1148+1G>A (NM_001321285.2).
Identifiers: ClinVar variation 3681671 (VCV003681671.2).

ClinVar aggregate classification (germline): Uncertain significance (1 of 4 stars; one submission).

Conditions:
Progressive familial heart block type IB (PFHB1B). Identifiers: Orphanet 871, MedGen C1970298, MONDO:0011474, OMIM 604559.

gnomAD v4.1: 1 of 1,614,120 alleles (0.000062%); highest among the groups gnomAD compares: Non-Finnish European, 0.000085%; no homozygotes.

Submission:

Labcorp Genetics (formerly Invitae), Labcorp
Classification: Uncertain significance for Progressive familial heart block type IB. Last evaluated: 2025-02-25. Review status: criteria provided, single submitter. Criteria: Invitae Variant Classification Sherloc (09022015). Collection method: clinical testing. Allele origin: germline.
Comment: This sequence change affects a donor splice site in intron 16 of the TRPM4 gene. It is expected to disrupt RNA splicing. Variants that disrupt the donor or acceptor splice site typically lead to a loss of protein function (PMID: 16199547), however the current clinical and genetic evidence is not sufficient to establish whether loss-of-function variants in TRPM4 cause disease. This variant is not present in population databases (gnomAD no frequency). This variant has not been reported in the literature in individuals affected with TRPM4-related conditions. Algorithms developed to predict the effect of sequence changes on RNA splicing suggest that this variant may disrupt the consensus splice site. In summary, the available evidence is currently insufficient to determine the role of this variant in disease. Therefore, it has been classified as a Variant of Uncertain Significance.

Literature cited by the submitters: PubMed 16199547.